The following is an entry in ClinVar:

NM_000257.4(MYH7):c.5655+5G>C

Gene: MYH7 (myosin heavy chain 7; minus strand). Cytogenetic location: 14q11.2.
Variant type: single nucleotide variant.
Coding change: c.5655+5G>C on transcript NM_000257.4 (MANE Select); 5 bases into the intron after coding-DNA position 5655, G replaced by C.
Molecular consequence: intron variant.
Genome position (GRCh38, 1-based): chr14:23,414,002, C>G on the plus strand (G>C on the coding strand, the complement: MYH7 is on the minus strand). VCF-style: chr14-23414002-C-G. GRCh37 (hg19) VCF-style: chr14-23883211-C-G.
Identifiers: ClinVar variation 694311 (VCV000694311.8), dbSNP rs1595070689, ClinGen allele CA915948813.

ClinVar aggregate classification (germline): Pathogenic/Likely pathogenic. Review status: criteria provided, multiple submitters, no conflicts (2 of 4 stars). 2 submissions from 2 submitters: Pathogenic (1); Likely pathogenic (1). Last evaluated 2022-01-15.

Conditions:
Hypertrophic cardiomyopathy. Also called: HYPERTROPHIC MYOCARDIOPATHY. Identifiers: Orphanet 217569, MedGen C0007194, MeSH D002312, MONDO:0005045, HP:0001639.
Primary dilated cardiomyopathy (DCM). Also called: Dilated Cardiomyopathy. Identifiers: Orphanet 217604, MedGen C0007193, MeSH D002311, MONDO:0005021, HP:0001644. Inheritance: Various modes of inheritance.
Congenital myopathy. Identifiers: Orphanet 97245, MedGen C0270960, MONDO:0019952.

Submissions (2):

Labcorp Genetics (formerly Invitae), Labcorp
Classification: Likely pathogenic for Hypertrophic cardiomyopathy. Last evaluated: 2022-01-15. Review status: criteria provided, single submitter. Criteria: Invitae Variant Classification Sherloc (09022015). Collection method: clinical testing. Allele origin: germline.
Comment: This variant is not present in population databases (gnomAD no frequency). This sequence change falls in intron 38 of the MYH7 gene. It does not directly change the encoded amino acid sequence of the MYH7 protein. RNA analysis indicates that this variant induces altered splicing and likely results in a shortened protein product. Variants that disrupt the consensus splice site are a relatively common cause of aberrant splicing (PMID: 17576681, 9536098). Studies have shown that this variant results in skipping of exon 38, but is expected to preserve the integrity of the reading-frame (PMID: 30794915). In summary, the currently available evidence indicates that the variant is pathogenic, but additional data are needed to prove that conclusively. Therefore, this variant has been classified as Likely Pathogenic. ClinVar contains an entry for this variant (Variation ID: 694311). This variant has been observed in individual(s) with autosomal dominant MYH7-related conditions (PMID: 30794915). In at least one individual the variant was observed to be de novo.

Petrovsky National Research Centre of Surgery, The Federal Agency for Scientific Organizations
Classification: Pathogenic for Batten-Turner congenital myopathy; Primary dilated cardiomyopathy. Last evaluated: 2019-02-02. Review status: criteria provided, single submitter. Criteria: ACMG Guidelines, 2015. Collection method: clinical testing. Allele origin: de novo. Affected: yes. Observed: 1 heterozygote.
Comment: The intronic c.5655+5G>C variant was not reported in any previous studies to our knowledge and is absent from large population studies (gnomAD/ExAC no frequency). The other intronic substitution at this position c.5655+5G>A was reported on the ClinVar (Variation ID:662627). Evaluation of c.5655+5G>C variant at our clinical center was done with experimental data (DOI:10.1016/j.gene.2019.02.011). The data demonstrated that an intronic variant c.5655+5G>C in the MYH7 gene leads to breaking the donor splice site, resulting in the skipping of exon 38 in the mRNA. Based on this evidences the c.5655+5G>C variant is classified as Pathogenic.

Literature cited by the submitters: PubMed 17576681 (cited by Labcorp Genetics (formerly Invitae), Labcorp); PubMed 9536098 (cited by Labcorp Genetics (formerly Invitae), Labcorp); PubMed 30794915 (cited by Labcorp Genetics (formerly Invitae), Labcorp); DOI 10.1016/j.gene.2019.02.011 (cited by Petrovsky National Research Centre of Surgery, The Federal Agency for Scientific Organizations).